The following is an entry in ClinVar:

NM_170606.3(KMT2C):c.4624C>T (p.Pro1542Ser)

Gene: KMT2C (lysine methyltransferase 2C; minus strand). Cytogenetic location: 7q36.1.
Variant type: single nucleotide variant.
Coding change: c.4624C>T on transcript NM_170606.3 (MANE Select); coding-DNA position 4624, C replaced by T.
Protein change: p.Pro1542Ser; replaces proline 1542 with serine.
Molecular consequence: missense variant.
Genome position (GRCh38, 1-based): chr7:152,194,045, G>A on the plus strand (C>T on the coding strand, the complement: KMT2C is on the minus strand). VCF-style: chr7-152194045-G-A. GRCh37 (hg19) VCF-style: chr7-151891130-G-A.
Other names: short protein forms P1542S.
Identifiers: ClinVar variation 2723231 (VCV002723231.3), dbSNP rs2129128821, ClinGen allele CA370104974.

ClinVar aggregate classification (germline): Uncertain significance (1 of 4 stars; one submission).

Submission:

Labcorp Genetics (formerly Invitae), Labcorp
Classification: Uncertain significance. Last evaluated: 2024-05-06. Review status: criteria provided, single submitter. Criteria: Invitae Variant Classification Sherloc (09022015). Collection method: clinical testing. Allele origin: germline.
Comment: This sequence change replaces proline, which is neutral and non-polar, with serine, which is neutral and polar, at codon 1542 of the KMT2C protein (p.Pro1542Ser). This variant is not present in population databases (gnomAD no frequency). This variant has not been reported in the literature in individuals affected with KMT2C-related conditions. Advanced modeling of protein sequence and biophysical properties (such as structural, functional, and spatial information, amino acid conservation, physicochemical variation, residue mobility, and thermodynamic stability) performed at Invitae indicates that this missense variant is not expected to disrupt KMT2C protein function with a negative predictive value of 80%. In summary, the available evidence is currently insufficient to determine the role of this variant in disease. Therefore, it has been classified as a Variant of Uncertain Significance.